The following is an entry in ClinVar:

ClinVar aggregate classification (germline): Uncertain significance (1 of 4 stars; one submission).

Conditions:
Congenital disorder of glycosylation, type Ii. Also called: ALG2-congenital disorder of glycosylation; CDG Ii; ALG2-CDG. Identifiers: Orphanet 79326, MedGen C1842836, MONDO:0011933, OMIM 607906.
Congenital myasthenic syndrome 14. Also called: Myasthenic syndrome, congenital, 14, with tubular aggregates. Identifiers: Orphanet 353327, Orphanet 590, MedGen C4015597, MONDO:0014543, OMIM 616228.

Allele frequency attached by ClinVar (database versions not stated): gnomAD 0.00001; TOPMed 0.00001; ExAC 0.00003; gnomAD exomes 0.00003; ESP Exome Variant Server 0.00008.
gnomAD v4.1: 50 of 1,607,780 alleles (0.0031%); highest among the groups gnomAD compares: Admixed American, 0.005%; no homozygotes.

Submission:

Labcorp Genetics (formerly Invitae), Labcorp
Classification: Uncertain significance for Congenital disorder of glycosylation, type Ii; Congenital myasthenic syndrome 14. Last evaluated: 2024-09-09. Review status: criteria provided, single submitter. Criteria: Invitae Variant Classification Sherloc (09022015). Collection method: clinical testing. Allele origin: germline.
Comment: This sequence change replaces arginine, which is basic and polar, with glycine, which is neutral and non-polar, at codon 128 of the ALG2 protein (p.Arg128Gly). This variant is present in population databases (rs369029000, gnomAD 0.003%). This variant has not been reported in the literature in individuals affected with ALG2-related conditions. ClinVar contains an entry for this variant (Variation ID: 2080466). An algorithm developed to predict the effect of missense changes on protein structure and function (PolyPhen-2) suggests that this variant is likely to be disruptive. In summary, the available evidence is currently insufficient to determine the role of this variant in disease. Therefore, it has been classified as a Variant of Uncertain Significance.

NM_033087.4(ALG2):c.382A>G (p.Arg128Gly)

Gene: ALG2 (ALG2 alpha-1,3/1,6-mannosyltransferase; minus strand). Cytogenetic location: 9q22.33.
Variant type: single nucleotide variant.
Coding change: c.382A>G on transcript NM_033087.4 (MANE Select); coding-DNA position 382, A replaced by G.
Protein change: p.Arg128Gly; replaces arginine 128 with glycine.
Molecular consequence: missense variant. On other transcripts: non-coding transcript variant (1).
Genome position (GRCh38, 1-based): chr9:99,218,803, T>C on the plus strand (A>G on the coding strand, the complement: ALG2 is on the minus strand). VCF-style: chr9-99218803-T-C. GRCh37 (hg19) VCF-style: chr9-101981085-T-C.
Other names: short protein forms R128G.
Identifiers: ClinVar variation 2080466 (VCV002080466.3), dbSNP rs369029000, ClinGen allele CA5156335.